The following is an entry in ClinVar:

NM_018706.7(DHTKD1):c.944C>T (p.Pro315Leu)

Gene: DHTKD1 (dehydrogenase E1 and transketolase domain containing 1; plus strand). Cytogenetic location: 10p14.
Variant type: single nucleotide variant.
Coding change: c.944C>T on transcript NM_018706.7 (MANE Select); coding-DNA position 944, C replaced by T.
Protein change: p.Pro315Leu; replaces proline 315 with leucine.
Molecular consequence: missense variant.
Genome position (GRCh38, 1-based): chr10:12,089,212, C>T. VCF-style: chr10-12089212-C-T. GRCh37 (hg19) VCF-style: chr10-12131211-C-T.
Other names: short protein forms P315L.
Identifiers: ClinVar variation 2202407 (VCV002202407.4), dbSNP rs762484525, ClinGen allele CA5407688.
Genomic context (GRCh38, chr10:12,089,212, plus strand): 5'-CCGTGGCCGTGGGCAAAACTCGCGGCAGGCAGCAGTCTCGCCAAGACGGCGATTACTCTC[C>T]AGACAACTCAGCCCAGCCGGGGGACAGGGTCATTTGCTTACAGGTACTTGGAGCTTCTGA-3'
Protein context (NP_061176.4, residues 305-325): QQSRQDGDYS[Pro315Leu]DNSAQPGDRV

ClinVar aggregate classification (germline): Uncertain significance (1 of 4 stars; one submission).

Conditions:
2-aminoadipic 2-oxoadipic aciduria (AAKAD). Also called: ALPHA-AMINOADIPIC AND ALPHA-KETOADIPIC ACIDURIA; Aminoadipic aciduria. Identifiers: Orphanet 79154, MedGen C1859817, MONDO:0008774, OMIM 204750.

Allele frequency attached by ClinVar (database versions not stated): ExAC 0.00001; gnomAD exomes 0.00001.
gnomAD v4.1: 5 of 1,614,174 alleles (0.00031%); highest among the groups gnomAD compares: South Asian, 0.0055%; no homozygotes.

Submission:

Labcorp Genetics (formerly Invitae), Labcorp
Classification: Uncertain significance for 2-aminoadipic 2-oxoadipic aciduria. Last evaluated: 2023-10-28. Review status: criteria provided, single submitter. Criteria: Invitae Variant Classification Sherloc (09022015). Collection method: clinical testing. Allele origin: germline.
Comment: This sequence change replaces proline, which is neutral and non-polar, with leucine, which is neutral and non-polar, at codon 315 of the DHTKD1 protein (p.Pro315Leu). This variant is present in population databases (rs762484525, gnomAD 0.003%). This variant has not been reported in the literature in individuals affected with DHTKD1-related conditions. ClinVar contains an entry for this variant (Variation ID: 2202407). Algorithms developed to predict the effect of missense changes on protein structure and function output the following: SIFT: "Not Available"; PolyPhen-2: "Benign"; Align-GVGD: "Not Available". The leucine amino acid residue is found in multiple mammalian species, which suggests that this missense change does not adversely affect protein function. In summary, the available evidence is currently insufficient to determine the role of this variant in disease. Therefore, it has been classified as a Variant of Uncertain Significance.